The following is an entry in ClinVar:

ClinVar aggregate classification (germline): Conflicting classifications of pathogenicity. Review status: criteria provided, conflicting classifications (1 of 4 stars). 19 submissions from 19 submitters: Uncertain significance (2); Benign (3); Likely benign (5). 9 of the submissions do not count toward it. Last evaluated 2026-09-01.

Conditions:
Hereditary cancer-predisposing syndrome. Also called: Hereditary neoplastic syndrome; Hereditary Cancer Syndrome; Neoplastic Syndromes, Hereditary; Tumor predisposition. Identifiers: Orphanet 140162, MedGen C0027672, MeSH D009386, MONDO:0015356.
Holoprosencephaly sequence (HPE). Also called: Holoprosencephaly. Identifiers: Orphanet 2162, MedGen C0079541, MONDO:0016296, HP:0001360.
Holoprosencephaly 7 (HPE7). Identifiers: Orphanet 2162, MedGen C1835820, MONDO:0012562, OMIM 610828.
Gorlin syndrome. Also called: Nevoid Basal Cell Carcinoma Syndrome; Basal cell nevus syndrome. Identifiers: Orphanet 377, MedGen C0004779, MONDO:0007187.
PTCH1-related disorder. Also called: PTCH1-related disorders; PTCH1-related condition.

Allele frequency attached by ClinVar (database versions not stated): gnomAD exomes 0.00128 and 0.00065; TOPMed 0.00058; gnomAD 0.00066 and 0.00062; ExAC 0.00062; ESP Exome Variant Server 0.00115.
gnomAD v4.1: 1,951 of 1,613,990 alleles (0.12%); highest among the groups gnomAD compares: Non-Finnish European, 0.15%; 2 homozygotes.

Submissions (19):

CeGaT Center for Human Genetics Tuebingen
Classification: Likely benign. Last evaluated: 2026-09-01. Review status: criteria provided, single submitter. Criteria: CeGaT Center For Human Genetics Tuebingen Variant Classification Criteria Version 2. Collection method: clinical testing. Allele origin: germline. Affected: yes. Observed: 5 variant alleles.
Comment: PTCH1: BS1

Women's Health and Genetics/Laboratory Corporation of America, LabCorp
Classification: Likely benign. Last evaluated: 2026-03-23. Review status: criteria provided, single submitter. Criteria: LabCorp Variant Classification Summary - May 2015. Collection method: clinical testing. Allele origin: germline.

Labcorp Genetics (formerly Invitae), Labcorp
Classification: Benign for Gorlin syndrome. Last evaluated: 2026-02-03. Review status: criteria provided, single submitter. Criteria: Invitae Variant Classification Sherloc (09022015). Collection method: clinical testing. Allele origin: germline.

Quest Diagnostics Nichols Institute San Juan Capistrano
Classification: Benign. Last evaluated: 2025-07-24. Review status: criteria provided, single submitter. Criteria: Quest Diagnostics criteria. Collection method: clinical testing. Allele origin: unknown.

Center for Genomic Medicine, Rigshospitalet, Copenhagen University Hospital
Classification: Uncertain significance. Last evaluated: 2025-03-04. Review status: criteria provided, single submitter. Criteria: ACMG Guidelines, 2015. Collection method: clinical testing. Allele origin: germline.

Institute for Clinical Genetics, University Hospital TU Dresden, University Hospital TU Dresden
Classification: Likely benign. Last evaluated: 2021-11-03. Review status: criteria provided, single submitter. Criteria: ACMG Guidelines, 2015. Collection method: clinical testing. Allele origin: germline.

GeneDx
Classification: Likely benign. Last evaluated: 2021-06-09. Review status: criteria provided, single submitter. Criteria: GeneDx Variant Classification Process June 2021. Collection method: clinical testing. Allele origin: germline. Affected: yes.
Comment: This variant is associated with the following publications: (PMID: 26893459, 26353884, 27498913, 22885699, 11941477, 24728327, 26875496, 22703879, 21188540, 24055113, 25637381, 22820256, 23718828, 17001668, 20635334, 24686850, 24211491, 26489027, 26986070, 27153395, 27930734, 29575684, 33209614)

Sema4
Classification: Benign for Hereditary cancer-predisposing syndrome. Last evaluated: 2020-12-04. Review status: criteria provided, single submitter. Criteria: Sema4 Curation Guidelines. Collection method: curation. Allele origin: germline.

Ambry Genetics
Classification: Likely benign for Hereditary cancer-predisposing syndrome. Last evaluated: 2018-09-26. Review status: criteria provided, single submitter. Criteria: Ambry Variant Classification Scheme 2023. Collection method: clinical testing. Allele origin: germline.

Illumina Laboratory Services, Illumina
Classification: Uncertain significance for Holoprosencephaly 7. Last evaluated: 2017-04-27. Review status: criteria provided, single submitter. Criteria: ICSL Variant Classification Criteria 13 December 2019. Collection method: clinical testing. Allele origin: germline.
Comment: This variant was observed as part of a predisposition screen in an ostensibly healthy population. A literature search was performed for the gene, cDNA change, and amino acid change (where applicable). Publications were found based on this search. However, the evidence from the literature, in combination with allele frequency data from public databases where available, was not sufficient to rule this variant in or out of causing disease. Therefore, this variant is classified as a variant of unknown significance.

PreventionGenetics, part of Exact Sciences
Classification: Likely benign for PTCH1-related condition. Last evaluated: 2020-01-17. Review status: no assertion criteria provided. Collection method: clinical testing. Allele origin: germline. Not counted in ClinVar's aggregate classification.
Comment: This variant is classified as likely benign based on ACMG/AMP sequence variant interpretation guidelines (Richards et al. 2015 PMID: 25741868, with internal and published modifications).

CSER _CC_NCGL, University of Washington
Classification: Likely benign for Holoprosencephaly. Last evaluated: 2014-06-01. Review status: no assertion criteria provided. Collection method: research. Allele origin: germline. Inheritance: Autosomal dominant inheritance. Study: ESP 6500 variant annotation. Not counted in ClinVar's aggregate classification.
Comment: Variants classified for the Actionable exomic incidental findings in 6503 participants: challenges of variant classification manuscript

ITMI
No classification provided. Condition: AllHighlyPenetrant. Last evaluated: 2013-09-19. Review status: no classification provided. Collection method: reference population. Allele origin: germline. Not counted in ClinVar's aggregate classification.
Comment: Please see associated publication for description of ethnicities

Biesecker Lab/Clinical Genomics Section, National Institutes of Health
Classification: Uncertain significance. Last evaluated: 2012-07-13. Review status: no assertion criteria provided. Collection method: research. Allele origin: germline. Affected: no. Observed: 3 variant alleles. Study: ClinSeq. Not counted in ClinVar's aggregate classification.
ClinVar note: Converted during submission from variant of unknown significance to Uncertain significance.

OMIM
Classification: Pathogenic for HOLOPROSENCEPHALY 7. Last evaluated: 2006-12-01. Review status: no assertion criteria provided. Collection method: literature only. Allele origin: germline. Not counted in ClinVar's aggregate classification.

Diagnostic Laboratory, Department of Genetics, University Medical Center Groningen
Classification: Likely benign. Review status: no assertion criteria provided. Collection method: clinical testing. Allele origin: germline. Affected: yes. Study: VKGL Data-share Consensus. Not counted in ClinVar's aggregate classification.

Genome Diagnostics Laboratory, Amsterdam University Medical Center
Classification: Likely benign. Review status: no assertion criteria provided. Collection method: clinical testing. Allele origin: germline. Affected: yes. Study: VKGL Data-share Consensus. Not counted in ClinVar's aggregate classification.

Genome Diagnostics Laboratory, University Medical Center Utrecht
Classification: Likely benign. Review status: no assertion criteria provided. Collection method: clinical testing. Allele origin: germline. Affected: yes. Study: VKGL Data-share Consensus. Not counted in ClinVar's aggregate classification.

Laboratory of Diagnostic Genome Analysis, Leiden University Medical Center (LUMC)
Classification: Likely benign. Review status: no assertion criteria provided. Collection method: clinical testing. Allele origin: germline. Affected: yes. Study: VKGL Data-share Consensus. Not counted in ClinVar's aggregate classification.

Literature cited by the submitters: PubMed 27153395 (cited by Quest Diagnostics Nichols Institute San Juan Capistrano and Ambry Genetics); PubMed 26893459 (cited by Quest Diagnostics Nichols Institute San Juan Capistrano and Ambry Genetics); PubMed 26489027 (cited by Quest Diagnostics Nichols Institute San Juan Capistrano and Ambry Genetics); PubMed 25637381 (cited by Quest Diagnostics Nichols Institute San Juan Capistrano and Ambry Genetics); PubMed 24055113 (cited by Quest Diagnostics Nichols Institute San Juan Capistrano and Ambry Genetics); PubMed 22820256 (cited by Quest Diagnostics Nichols Institute San Juan Capistrano and Ambry Genetics); PubMed 17001668 (cited by Quest Diagnostics Nichols Institute San Juan Capistrano and OMIM); PubMed 11941477 (cited by 4 submitters); PubMed 21188540 (cited by Center for Genomic Medicine, Rigshospitalet, Copenhagen University Hospital and Ambry Genetics); PubMed 24728327 (cited by Ambry Genetics and ITMI); PubMed 8302318 (cited by Illumina Laboratory Services, Illumina).

NM_000264.5(PTCH1):c.3155C>T (p.Thr1052Met)

Gene: PTCH1 (patched 1; minus strand). Cytogenetic location: 9q22.32.
Variant type: single nucleotide variant.
Coding change: c.3155C>T on transcript NM_000264.5 (MANE Select); coding-DNA position 3155, C replaced by T.
Protein change: p.Thr1052Met; replaces threonine 1052 with methionine.
Molecular consequence: missense variant. On other transcripts: non-coding transcript variant (1).
Genome position (GRCh38, 1-based): chr9:95,458,026, G>A on the plus strand (C>T on the coding strand, the complement: PTCH1 is on the minus strand). VCF-style: chr9-95458026-G-A. GRCh37 (hg19) VCF-style: chr9-98220308-G-A.
Other names: c.2957C>T, p.Thr986Met (NM_001083602.3); c.3152C>T, p.Thr1051Met (NM_001083603.3); c.2702C>T, p.Thr901Met (NM_001083604.3, NM_001083605.3, NM_001083606.3 and 1 more transcripts); c.2999C>T, p.Thr1000Met (NM_001354918.2); short protein forms T1052M, T986M, T1051M, T901M, T1000M.
Identifiers: ClinVar variation 8224 (VCV000008224.66), dbSNP rs138911275, ClinGen allele CA161680.